The following is an entry in ClinVar:

NM_000748.3(CHRNB2):c.365+2T>C

Gene: CHRNB2 (cholinergic receptor nicotinic beta 2 subunit; plus strand). Cytogenetic location: 1q21.3.
Variant type: single nucleotide variant.
Coding change: c.365+2T>C on transcript NM_000748.3 (MANE Select); the canonical splice donor site of the intron after coding-DNA position 365, T replaced by C.
Molecular consequence: splice donor variant.
Genome position (GRCh38, 1-based): chr1:154,570,369, T>C. VCF-style: chr1-154570369-T-C. GRCh37 (hg19) VCF-style: chr1-154542845-T-C.
Identifiers: ClinVar variation 1461740 (VCV001461740.5), dbSNP rs1440177267, ClinGen allele CA342629857.
Genomic context (GRCh38, chr1:154,570,369, plus strand): 5'-AAGAAAGTTCGGCTCCCTTCCAAACACATCTGGCTCCCAGATGTGGTCCTGTACAACAAG[T>C]AGGTGCAATGGGAAGGTTGGGGGAGACCATTGGAGGGCTCAGGGAGGGAAGGGGTTCTGG-3'

ClinVar aggregate classification (germline): Uncertain significance (1 of 4 stars; one submission).

Conditions:
Familial sleep-related hypermotor epilepsy. Also called: Autosomal Dominant Sleep-Related Hypermotor (Hyperkinetic) Epilepsy. Identifiers: Orphanet 98784, MedGen C3696898, MONDO:0000030.

Allele frequency attached by ClinVar (database versions not stated): TOPMed below 0.00001.

Submission:

Labcorp Genetics (formerly Invitae), Labcorp
Classification: Uncertain significance. Last evaluated: 2022-02-22. Review status: criteria provided, single submitter. Criteria: Invitae Variant Classification Sherloc (09022015). Collection method: clinical testing. Allele origin: germline.
Comment: This sequence change affects a donor splice site in intron 4 of the CHRNB2 gene. It is expected to disrupt RNA splicing. Variants that disrupt the donor or acceptor splice site typically lead to a loss of protein function (PMID: 16199547), however the current clinical and genetic evidence is not sufficient to establish whether loss-of-function variants in CHRNB2 cause disease. This variant is not present in population databases (gnomAD no frequency). This variant has not been reported in the literature in individuals affected with CHRNB2-related conditions. Algorithms developed to predict the effect of sequence changes on RNA splicing suggest that this variant may disrupt the consensus splice site. In summary, the available evidence is currently insufficient to determine the role of this variant in disease. Therefore, it has been classified as a Variant of Uncertain Significance.

Literature cited by the submitters: PubMed 16199547.